The following is an entry in ClinVar:

ClinVar aggregate classification (germline): Conflicting classifications of pathogenicity; risk factor. Review status: criteria provided, conflicting classifications (1 of 4 stars). 13 submissions from 8 submitters: Pathogenic (1); Likely pathogenic (1); Pathogenic, low penetrance (1); Likely risk allele (1); Uncertain significance (1). 6 of the submissions do not count toward it. Last evaluated 2026-02-01.

Conditions:
APOL1-associated kidney disease.
Glomerulonephritis. Also called: Glomerulonephritis (disease). Identifiers: MedGen C0017658, MONDO:0002462, HP:0000099.
Hyalinosis, Segmental Glomerular. Identifiers: MedGen C0086432, MeSH D005923.
Proteinuria. Identifiers: MedGen C0033687, MONDO:0003634, HP:0000093.
Steroid-resistant nephrotic syndrome. Identifiers: MedGen C0403397, MONDO:0044765, HP:0012588.
Focal segmental glomerulosclerosis (FSGS). Also called: Glomerulosclerosis, focal; Focal sclerosis with hyalinosis. Identifiers: MedGen C0017668, MONDO:0100313, HP:0000097. Disease mechanism: loss of function.
Nephrotic range proteinuria. Identifiers: MedGen C0445118, HP:0012593.
Sickled erythrocytes. Identifiers: MedGen C2237347, HP:0030058.
Focal segmental glomerulosclerosis 4, susceptibility to (FSGS4). Identifiers: Orphanet 84271, MedGen C2675525, MONDO:0012931, OMIM 612551.

Allele frequency attached by ClinVar (database versions not stated): gnomAD exomes 0.00595 and 0.01607; gnomAD 0.06773 and 0.06319; 1000 Genomes Project 0.06969; TOPMed 0.07045; 1000 Genomes Project 30x 0.07917; ESP Exome Variant Server 0.07666; ExAC 0.02056.

Submissions (13):

Labcorp Genetics (formerly Invitae), Labcorp
Classification: Pathogenic, low penetrance. Last evaluated: 2026-02-01. Review status: criteria provided, single submitter. Criteria: Invitae Variant Classification Sherloc (09022015). Collection method: clinical testing. Allele origin: germline.
Comment: This sequence change replaces serine, which is neutral and polar, with glycine, which is neutral and non-polar, at codon 342 of the APOL1 protein (p.Ser342Gly). This variant is present in population databases (rs73885319, gnomAD 23%), and has an allele count higher than expected for a pathogenic variant. This variant, along with c.1152T>G (p.Ile384Met), constitutes the “G1” allele of APOL1. This allele is associated with increased risk for progressive proteinuric nephropathy and kidney disease in individuals of African-American ancestry when present in homozygosity or in trans with the “G2” allele (c.1164_1169delTTATAA (p.Asn388_Tyr389del)). Several large case-control studies have shown a 6- to 47-fold increased risk of focal segmental glomerulosclerosis, HIV-associated nephropathy, or non-diabetic end-stage kidney disease in individuals with homozygous G1, homozygous G2, or G1 in trans with G2 alleles (PMID: 20647424, 20635188, 21997394). Similar studies in African populations have generally recapitulated these findings, but these studies are based on a relatively small number of individuals (PMID: 30340464, 25788523). A recent PheWAS study also appears to support these findings, although the risk of end-stage kidney disease may be smaller than initially assumed (closer to 3- to 4-fold; PMID: 32247630). p.Ile384Met and p.Ser342Gly are almost always present on the same allele (in cis), but p.Ser342Gly is thought to be the main driver of increased risk (PMID: 21997394). p.Ile384Met is therefore classified as Benign (internal data). ClinVar contains an entry for this variant (Variation ID: 277678). An algorithm developed to predict the effect of missense changes on protein structure and function outputs the following: PolyPhen-2: "Benign". The glycine amino acid residue is found in multiple mammalian species, which suggests that this missense change does not adversely affect protein function. Experimental studies have shown that this missense change affects APOL1 function (PMID: 30332315, 32675303). In summary, this variant has been shown to confer an increased risk for kidney disease, either in homozygosity or in trans with the G2 allele. However, not all individuals with this variant in homozygosity or in trans with the G2 allele will be clinically affected. For these reasons, this change has been classified as Pathogenic (low penetrance).

Variantyx, Inc.
Classification: Pathogenic for Focal segmental glomerulosclerosis 4, susceptibility to. Last evaluated: 2025-03-25. Review status: criteria provided, single submitter. Criteria: Variantyx Assertion Criteria 2022. Collection method: clinical testing. Allele origin: germline. Inheritance: Autosomal recessive inheritance. Affected: yes.
Comment: This is a complex allele formed by two nonsynonymous variants in the APOL1 gene (OMIM: 603743). Pathogenic variants in this gene have been associated with autosomal recessive susceptibility to segmental glomerulosclerosis 4. This haplotype is traditionally referred to as the G1 allele and is common in individuals of African ancestry. Homozygosity or compound heterozygosity of this variant with the G2 allele (p.Asn388_Tyr389del) have been associated with an increased risk for chronic kidney disease, including focal segmental glomerulosclerosis (FSGS) and HIV-associated nephropathy (HIVAN). Equivalent risk associations have been observed for the G1/G1, G1/G2 and G2/G2 genotypes, with the strongest effect across studies detected for HIVAN (OR=29, 95% CI 13-68.5), followed by FSGS (OR=17, 95% CI 11-26) (PMID: 21997394, 24206458, 24379297, 25853332, 25168832) (PS4). Functional studies have shown that this allele alters APOL1 protein function (PMID: 28218918, 28650456) (PS3). This allele has a maximum allele frequency of approximately 23% in non-founder control populations.

Department of Pathology and Laboratory Medicine, Sinai Health System
Classification: Likely pathogenic for Focal segmental glomerulosclerosis 4, susceptibility to. Last evaluated: 2023-09-15. Review status: criteria provided, single submitter. Criteria: ACMG Guidelines, 2015. Collection method: research. Allele origin: germline.

Clinical Genomics Laboratory, Washington University in St. Louis
Classification: Uncertain significance for APOL1-associated kidney disease. Last evaluated: 2023-08-29. Review status: criteria provided, single submitter. Criteria: ACMG Guidelines, 2015. Collection method: clinical testing. Allele origin: germline.
Comment: Sequence analysis identified the presence of a single APOL1 risk allele in a heterozygous state (G1). The G1 allele is composed of two missense variants: G1G (p.S342G) and G1M (p.I384M). APOL1 risk alleles occur at high frequency among populations of African ancestry (22-24% and 13-14% for G1 and G2, respectively) and are absent or nearly absent from other populations. Inheriting two risk variants greatly increases risk of kidney disease, whereas inheriting one risk allele confers minimal or no risk (Friedman DJ et al., PMID: 32616495). APOL1-associated kidney disease includes focal segmental glomerulosclerosis, CKD associated with hypertension, HIV, systemic lupus erythematosus (SLE), and sickle cell disease, among others (Friedman DJ et al., PMID: 32616495).

Mendelics
Classification: Likely risk allele. Last evaluated: 2023-02-15. Review status: criteria provided, single submitter. Criteria: Mendelics Assertion Criteria 2019. Collection method: clinical testing. Allele origin: germline.

Laboratory for Molecular Medicine, Mass General Brigham Personalized Medicine
Classification: risk factor for Hyalinosis, Segmental Glomerular. Last evaluated: 2020-03-04. Review status: criteria provided, single submitter. Criteria: LMM Criteria. Collection method: clinical testing. Allele origin: germline. Inheritance: Autosomal recessive inheritance. Observed: 19 variant alleles.
Comment: See compound het c.[1024A>G;1152T>G]

GeneDx
Classification: risk factor. Last evaluated: 2020-02-26. Review status: criteria provided, single submitter. Criteria: GeneDx Variant Classification Process June 2021. Collection method: clinical testing. Allele origin: germline. Affected: yes.
Comment: This variant is associated with the following publications: (PMID: 28696248, 27650483, 32581362, 21910715, 24379297, 23768513, 24518129, 25993319, 22832513, 24206458, 20635188, 20647424, 30173819, 30315176)

NIHR Bioresource Rare Diseases, University of Cambridge
Classification: Pathogenic for Proteinuria. Review status: no assertion criteria provided. Collection method: research. Allele origin: unknown. Affected: yes. Observed: 1 variant allele. Not counted in ClinVar's aggregate classification.

NIHR Bioresource Rare Diseases, University of Cambridge
Classification: Pathogenic for Focal segmental glomerulosclerosis. Review status: no assertion criteria provided. Collection method: research. Allele origin: unknown. Affected: yes. Observed: 5 variant alleles. Not counted in ClinVar's aggregate classification.

NIHR Bioresource Rare Diseases, University of Cambridge
Classification: Pathogenic for Focal segmental glomerulosclerosis; Sickled erythrocytes. Review status: no assertion criteria provided. Collection method: research. Allele origin: unknown. Affected: yes. Observed: 1 variant allele. Not counted in ClinVar's aggregate classification.

NIHR Bioresource Rare Diseases, University of Cambridge
Classification: Pathogenic for Focal segmental glomerulosclerosis; Steroid-resistant nephrotic syndrome. Review status: no assertion criteria provided. Collection method: research. Allele origin: unknown. Affected: yes. Observed: 3 variant alleles. Not counted in ClinVar's aggregate classification.

NIHR Bioresource Rare Diseases, University of Cambridge
Classification: Pathogenic for Nephrotic range proteinuria. Review status: no assertion criteria provided. Collection method: research. Allele origin: unknown. Affected: yes. Observed: 1 variant allele. Not counted in ClinVar's aggregate classification.

NIHR Bioresource Rare Diseases, University of Cambridge
Classification: Pathogenic for Glomerulonephritis. Review status: no assertion criteria provided. Collection method: research. Allele origin: unknown. Affected: yes. Observed: 1 variant allele. Not counted in ClinVar's aggregate classification.

Literature cited by the submitters: PubMed 20647424 (cited by Labcorp Genetics (formerly Invitae), Labcorp); PubMed 20635188 (cited by Labcorp Genetics (formerly Invitae), Labcorp and Laboratory for Molecular Medicine, Mass General Brigham Personalized Medicine); PubMed 21997394 (cited by Labcorp Genetics (formerly Invitae), Labcorp and Variantyx, Inc.); PubMed 30340464 (cited by Labcorp Genetics (formerly Invitae), Labcorp); PubMed 25788523 (cited by Labcorp Genetics (formerly Invitae), Labcorp); PubMed 30332315 (cited by Labcorp Genetics (formerly Invitae), Labcorp); PubMed 32675303 (cited by Labcorp Genetics (formerly Invitae), Labcorp); PubMed 24206458 (cited by Variantyx, Inc. and Laboratory for Molecular Medicine, Mass General Brigham Personalized Medicine); PubMed 24379297 (cited by Variantyx, Inc.); PubMed 25853332 (cited by Variantyx, Inc.); PubMed 25168832 (cited by Variantyx, Inc.); PubMed 28218918 (cited by Variantyx, Inc.); PubMed 28650456 (cited by Variantyx, Inc.); PubMed 20668430 (cited by Laboratory for Molecular Medicine, Mass General Brigham Personalized Medicine); PubMed 32581362 (cited by NIHR Bioresource Rare Diseases, University of Cambridge).

NM_003661.4(APOL1):c.1024A>G (p.Ser342Gly)

Gene: APOL1 (apolipoprotein L1; plus strand). Cytogenetic location: 22q12.3.
Variant type: single nucleotide variant.
Coding change: c.1024A>G on transcript NM_003661.4 (MANE Select); coding-DNA position 1024, A replaced by G.
Protein change: p.Ser342Gly; replaces serine 342 with glycine.
Molecular consequence: missense variant.
Genome position (GRCh38, 1-based): chr22:36,265,860, A>G. VCF-style: chr22-36265860-A-G. GRCh37 (hg19) VCF-style: chr22-36661906-A-G.
Other names: c.1024A>G, p.Ser342Gly (NM_001136540.2); c.970A>G, p.Ser324Gly (NM_001136541.2, NM_001362927.2); c.1072A>G, p.Ser358Gly (NM_145343.3); short protein forms S358G, S342G, S324G.
Identifiers: ClinVar variation 277678 (VCV000277678.20), dbSNP rs73885319, ClinGen allele CA353702.
Genomic context (GRCh38, chr22:36,265,860, plus strand): 5'-AATGAACCCAGCATCCTGGAAATGAGCAGAGGAGTCAAGCTCACGGATGTGGCCCCTGTA[A>G]GCTTCTTTCTTGTGCTGGATGTAGTCTACCTCGTGTACGAATCAAAGCACTTACATGAGG-3'
Protein context (NP_003652.2, residues 332-352): GVKLTDVAPV[Ser342Gly]FFLVLDVVYL